The following is an entry in ClinVar:

NM_173560.4(RFX6):c.1319A>G (p.Tyr440Cys)

Gene: RFX6 (regulatory factor X6; plus strand). Cytogenetic location: 6q22.1.
Variant type: single nucleotide variant.
Coding change: c.1319A>G on transcript NM_173560.4 (MANE Select); coding-DNA position 1319, A replaced by G.
Protein change: p.Tyr440Cys; replaces tyrosine 440 with cysteine.
Molecular consequence: missense variant.
Genome position (GRCh38, 1-based): chr6:116,920,446, A>G. VCF-style: chr6-116920446-A-G. GRCh37 (hg19) VCF-style: chr6-117241609-A-G.
Other names: short protein forms Y440C.
Identifiers: ClinVar variation 393394 (VCV000393394.1), dbSNP rs1018054636, ClinGen allele CA16609254.

ClinVar aggregate classification (germline): Uncertain significance (1 of 4 stars; one submission).

Conditions:
Monogenic diabetes. Identifiers: Orphanet 183625, MedGen C3888631, MONDO:0015967.

Allele frequency attached by ClinVar (database versions not stated): gnomAD exomes below 0.00001.
gnomAD v4.1: 2 of 1,613,296 alleles (0.00012%); highest among the groups gnomAD compares: East Asian, 0.0022%; no homozygotes.

Submission:

Personalized Diabetes Medicine Program, University of Maryland School of Medicine
Classification: Uncertain significance for Monogenic diabetes. Last evaluated: 2016-07-07. Review status: criteria provided, single submitter. Criteria: ACMG Guidelines, 2015. Collection method: research. Allele origin: unknown. Observed: 1 variant allele, 1 heterozygote.
Comment: ACMG Criteria: PM2, PP3, BP4